The following is an entry in ClinVar:

NM_001042492.3(NF1):c.1524_1525dup (p.Cys509fs)

Gene: NF1 (neurofibromin 1; plus strand). Cytogenetic location: 17q11.2.
Variant type: Duplication.
Coding change: c.1524_1525dup on transcript NM_001042492.3 (MANE Select); coding-DNA positions 1524 to 1525, 2 bases duplicated (TT; older notation c.1524_1525dupTT).
Protein change: p.Cys509fs; shifts the reading frame from cysteine 509.
Molecular consequence: frameshift variant.
Genome position (GRCh38, 1-based): chr17:31,214,582-31,214,583, TT duplicated; duplicating any 2 consecutive bases within chr17:31,214,581-31,214,583 gives the same sequence; the c. name uses the placement nearest the transcript's 3' end. VCF-style (leftmost placement, unchanged base first): chr17-31214580-C-CTT. GRCh37 (hg19) VCF-style: chr17-29541598-C-CTT.
Other names: c.1524_1525dup, p.Cys509Phefs (NM_000267.4); c.1524_1525dup, p.Cys509fs (NM_001128147.3); short protein forms C509fs.
Identifiers: ClinVar variation 2859394 (VCV002859394.3), dbSNP rs1135402813, ClinGen allele CA2739267286.

ClinVar aggregate classification (germline): Pathogenic (1 of 4 stars; one submission).

Conditions:
Neurofibromatosis, type 1 (NF1). Also called: Neurofibromatosis, type I; NEUROFIBROMATOSIS, TYPE I, SOMATIC; Peripheral type neurofibromatosis; VON RECKLINGHAUSEN DISEASE. Identifiers: Orphanet 636, MedGen C0027831, MONDO:0018975, OMIM 162200. Disease mechanism: loss of function.

Submission:

Labcorp Genetics (formerly Invitae), Labcorp
Classification: Pathogenic for Neurofibromatosis, type 1. Last evaluated: 2023-04-26. Review status: criteria provided, single submitter. Criteria: Invitae Variant Classification Sherloc (09022015). Collection method: clinical testing. Allele origin: germline.
Comment: For these reasons, this variant has been classified as Pathogenic. This variant has not been reported in the literature in individuals affected with NF1-related conditions. This variant is not present in population databases (gnomAD no frequency). This sequence change creates a premature translational stop signal (p.Cys509Phefs*18) in the NF1 gene. It is expected to result in an absent or disrupted protein product. Loss-of-function variants in NF1 are known to be pathogenic (PMID: 10712197, 23913538).

Literature cited by the submitters: PubMed 10712197; PubMed 23913538.